The following is an entry in ClinVar:

ClinVar aggregate classification (germline): Likely benign. Review status: criteria provided, multiple submitters, no conflicts (2 of 4 stars). 5 submissions from 5 submitters: Likely benign (5). Last evaluated 2026-01-26.

Conditions:
Cardiovascular phenotype. Identifiers: MedGen CN230736.
Cardiomyopathy (CMYO). Also called: Cardiomyopathies. Identifiers: Orphanet 167848, MedGen C0878544, MONDO:0004994, HP:0001638. Inheritance: Various modes of inheritance.
Lethal congenital glycogen storage disease of heart. Also called: GLYCOGEN STORAGE DISEASE OF HEART; PHOSPHORYLASE KINASE DEFICIENCY OF HEART. Identifiers: Orphanet 439854, MedGen C1849813, MONDO:0009867, OMIM 261740.
Hypertrophic cardiomyopathy. Also called: HYPERTROPHIC MYOCARDIOPATHY. Identifiers: Orphanet 217569, MedGen C0007194, MeSH D002312, MONDO:0005045, HP:0001639.

Allele frequency attached by ClinVar (database versions not stated): gnomAD exomes 0.00001 and 0.00005; ExAC 0.00002; TOPMed 0.00002; gnomAD 0.00003 and 0.00004.
gnomAD v4.1: 69 of 1,613,010 alleles (0.0043%); highest among the groups gnomAD compares: Non-Finnish European, 0.0054%; no homozygotes.

Submissions (5):

Labcorp Genetics (formerly Invitae), Labcorp
Classification: Likely benign for Lethal congenital glycogen storage disease of heart. Last evaluated: 2026-01-26. Review status: criteria provided, single submitter. Criteria: Invitae Variant Classification Sherloc (09022015). Collection method: clinical testing. Allele origin: germline.

All of Us Research Program, National Institutes of Health
Classification: Likely benign for Hypertrophic cardiomyopathy. Last evaluated: 2023-12-13. Review status: criteria provided, single submitter. Criteria: ACMG Guidelines, 2015. Collection method: clinical testing. Allele origin: germline. Inheritance: Autosomal dominant inheritance. Observed: 7 variant alleles, 7 heterozygotes.
Comment: This study involves interpretation of variants in research participants for the purpose of population health screening. Participant phenotype was not available at the time of variant classification. Additional details can be found in publication PMID: 35346344, PMCID: PMC8962531

Ambry Genetics
Classification: Likely benign for Cardiovascular phenotype. Last evaluated: 2023-04-30. Review status: criteria provided, single submitter. Criteria: Ambry Variant Classification Scheme 2023. Collection method: clinical testing. Allele origin: germline.

GeneDx
Classification: Likely benign. Last evaluated: 2019-07-25. Review status: criteria provided, single submitter. Criteria: GeneDx Variant Classification Process June 2021. Collection method: clinical testing. Allele origin: germline. Affected: yes.

Color Diagnostics, LLC DBA Color Health
Classification: Likely benign for Cardiomyopathy. Last evaluated: 2018-12-13. Review status: criteria provided, single submitter. Criteria: ACMG Guidelines, 2015. Collection method: clinical testing. Allele origin: germline.

NM_016203.4(PRKAG2):c.1335C>T (p.Ile445=)

Gene: PRKAG2 (protein kinase AMP-activated non-catalytic subunit gamma 2; minus strand). Cytogenetic location: 7q36.1.
Variant type: single nucleotide variant.
Coding change: c.1335C>T on transcript NM_016203.4 (MANE Select); coding-DNA position 1335, C replaced by T.
Protein change: p.Ile445=; no amino-acid change (isoleucine 445 retained).
Molecular consequence: synonymous variant.
Genome position (GRCh38, 1-based): chr7:151,565,784, G>A on the plus strand (C>T on the coding strand, the complement: PRKAG2 is on the minus strand). VCF-style: chr7-151565784-G-A. GRCh37 (hg19) VCF-style: chr7-151262870-G-A.
Other names: c.1203C>T, p.Ile401= (NM_001040633.2); c.612C>T, p.Ile204= (NM_001304531.2, NM_024429.2); c.960C>T, p.Ile320= (NM_001304527.2); c.963C>T, p.Ile321= (NM_001363698.2).
Identifiers: ClinVar variation 241092 (VCV000241092.20), dbSNP rs781153622, ClinGen allele CA054806.